The following is an entry in ClinVar:

NM_001297.5(CNGB1):c.3681G>A (p.Met1227Ile)

Gene: CNGB1 (cyclic nucleotide gated channel subunit beta 1; minus strand). Cytogenetic location: 16q21.
Variant type: single nucleotide variant.
Coding change: c.3681G>A on transcript NM_001297.5 (MANE Select); coding-DNA position 3681, G replaced by A.
Protein change: p.Met1227Ile; replaces methionine 1227 with isoleucine.
Molecular consequence: missense variant.
Genome position (GRCh38, 1-based): chr16:57,884,239, C>T on the plus strand (G>A on the coding strand, the complement: CNGB1 is on the minus strand). VCF-style: chr16-57884239-C-T. GRCh37 (hg19) VCF-style: chr16-57918143-C-T.
Other names: c.3663G>A, p.Met1221Ile (NM_001286130.2); short protein forms M1221I, M1227I.
Identifiers: ClinVar variation 1994623 (VCV001994623.4), dbSNP rs2544599435, ClinGen allele CA396059343.

ClinVar aggregate classification (germline): Uncertain significance (1 of 4 stars; one submission).

Submission:

Labcorp Genetics (formerly Invitae), Labcorp
Classification: Uncertain significance. Last evaluated: 2022-10-13. Review status: criteria provided, single submitter. Criteria: Invitae Variant Classification Sherloc (09022015). Collection method: clinical testing. Allele origin: germline.
Comment: In summary, the available evidence is currently insufficient to determine the role of this variant in disease. Therefore, it has been classified as a Variant of Uncertain Significance. Advanced modeling of protein sequence and biophysical properties (such as structural, functional, and spatial information, amino acid conservation, physicochemical variation, residue mobility, and thermodynamic stability) performed at Invitae indicates that this missense variant is not expected to disrupt CNGB1 protein function. This variant has not been reported in the literature in individuals affected with CNGB1-related conditions. This variant is not present in population databases (gnomAD no frequency). This sequence change replaces methionine, which is neutral and non-polar, with isoleucine, which is neutral and non-polar, at codon 1227 of the CNGB1 protein (p.Met1227Ile).